The following is an entry in ClinVar:

NM_001018005.2(TPM1):c.240+4499G>C

Genes: TPM1 (tropomyosin 1; plus strand), TPM1-AS (TPM1 antisense RNA; minus strand), LOC130057222 (ATAC-STARR-seq lymphoblastoid silent region 6507; plus strand). Cytogenetic location: 15q22.2.
Variant type: single nucleotide variant.
Coding change: c.240+4499G>C on transcript NM_001018005.2 (MANE Select); 4499 bases into the intron after coding-DNA position 240, G replaced by C.
Molecular consequence: intron variant. On other transcripts: non-coding transcript variant (5), missense variant (12).
Genome position (GRCh38, 1-based): chr15:63,048,651, G>C. VCF-style: chr15-63048651-G-C. GRCh37 (hg19) VCF-style: chr15-63340850-G-C.
Other names: c.76G>C, p.Glu26Gln (NM_001018008.2, NM_001301289.2, NM_001330344.2 and 9 more transcripts); c.240+4499G>C (NM_001407337.1, NM_001018006.2, NM_001365776.1 and 10 more transcripts); c.366+4499G>C (NM_001407323.1, NM_001407322.1, NM_001407324.1 and 1 more transcripts); c.240+4820G>C (NM_001407334.1, NM_001407335.1, NM_001407329.1 and 7 more transcripts); c.76G>C (NM_001018008.1); short protein forms E26Q.
Identifiers: ClinVar variation 4925353 (VCV004925353.2).

ClinVar aggregate classification (germline): Uncertain significance. Review status: criteria provided, multiple submitters, no conflicts (2 of 4 stars). 2 submissions from 2 submitters: Uncertain significance (2). Last evaluated 2025-04-18.

Conditions:
TPM1-related disorder. Also called: TPM1-related condition.

gnomAD v4.1: 35 of 1,539,106 alleles (0.0023%); highest among the groups gnomAD compares: Non-Finnish European, 0.003%; no homozygotes.

Submissions (2):

PreventionGenetics, part of Exact Sciences
Classification: Uncertain significance for TPM1-related condition. Last evaluated: 2025-04-18. Review status: criteria provided, single submitter. Criteria: ACMG Guidelines, 2015. Collection method: clinical testing. Allele origin: germline.
Comment: The TPM1 c.76G>C variant is predicted to result in the amino acid substitution p.Glu26Gln. This variant has been reported in an individual with left ventricular noncompaction (LVNC) along with variants in two other genes (Table S3. Miszalski-Jamka et al. 2017. PubMed ID: 28798025). This variant is reported in 0.0061% of alleles in individuals of European (Finnish) descent in gnomAD. Although we suspect that this variant may be benign, at this time, the clinical significance of this variant is uncertain due to the absence of conclusive functional and genetic evidence.

Blueprint Genetics
Classification: Uncertain significance. Last evaluated: 2024-09-23. Review status: criteria provided, single submitter. Criteria: ACMG Guidelines, 2015. Collection method: clinical testing. Allele origin: germline.